The following is an entry in ClinVar:

ClinVar aggregate classification (germline): Pathogenic (1 of 4 stars; one submission).

Conditions:
Marfan syndrome (MFS). Also called: Marfan syndrome type 1; Marfan's syndrome; FBN1-Related Marfan Syndrome; MARFAN SYNDROME, TYPE I; Marfan syndrome, classic. Identifiers: Orphanet 284963, Orphanet 558, MedGen C0024796, MONDO:0007947, OMIM 154700.

Submission:

Centre of Medical Genetics, University of Antwerp
Classification: Pathogenic for Marfan syndrome. Last evaluated: 2021-03-01. Review status: criteria provided, single submitter. Criteria: Submitter's publication. Collection method: research. Allele origin: unknown. Affected: yes. Observed: 3 variant alleles.
Comment: PM2, PVS1, PP4 or PM2, PVS1, PP1, PP4

GRCh37/hg19 15q21.1(chr15:48703187-48937906)

Gene: FBN1 (fibrillin 1; minus strand). Cytogenetic location: 15q21.1.
Variant type: copy number loss.
Identifiers: ClinVar variation 1325469 (VCV001325469.2).